The following is an entry in ClinVar:

NM_006073.4(TRDN):c.1334A>G (p.Lys445Arg)

Gene: TRDN (triadin; minus strand). Cytogenetic location: 6q22.31.
Variant type: single nucleotide variant.
Coding change: c.1334A>G on transcript NM_006073.4 (MANE Select); coding-DNA position 1334, A replaced by G.
Protein change: p.Lys445Arg; replaces lysine 445 with arginine.
Molecular consequence: missense variant.
Genome position (GRCh38, 1-based): chr6:123,352,574, T>C on the plus strand (A>G on the coding strand, the complement: TRDN is on the minus strand). VCF-style: chr6-123352574-T-C. GRCh37 (hg19) VCF-style: chr6-123673719-T-C.
Other names: c.1337A>G, p.Lys446Arg (NM_001251987.2); c.1277A>G, p.Lys426Arg (NM_001407315.1); short protein forms K445R, K426R, K446R.
Identifiers: ClinVar variation 1770212 (VCV001770212.2), dbSNP rs2533766076, ClinGen allele CA365566122.

ClinVar aggregate classification (germline): Uncertain significance (1 of 4 stars; one submission).

Conditions:
Cardiovascular phenotype. Identifiers: MedGen CN230736.

Submission:

Ambry Genetics
Classification: Uncertain significance for Cardiovascular phenotype. Last evaluated: 2020-12-15. Review status: criteria provided, single submitter. Criteria: Ambry Variant Classification Scheme 2023. Collection method: clinical testing. Allele origin: germline.
Comment: The p.K445R variant (also known as c.1334A>G), located in coding exon 21 of the TRDN gene, results from an A to G substitution at nucleotide position 1334. The lysine at codon 445 is replaced by arginine, an amino acid with highly similar properties. This amino acid position is highly conserved in available vertebrate species. In addition, this alteration is predicted to be tolerated by in silico analysis. Since supporting evidence is limited at this time, the clinical significance of this alteration remains unclear.